The following is an entry in ClinVar:

ClinVar aggregate classification (germline): Pathogenic (1 of 4 stars; one submission).

Conditions:
Hereditary cancer-predisposing syndrome. Also called: Tumor predisposition; Hereditary Cancer Syndrome; Hereditary neoplastic syndrome; Neoplastic Syndromes, Hereditary. Identifiers: Orphanet 140162, MedGen C0027672, MeSH D009386, MONDO:0015356.

Submission:

Ambry Genetics
Classification: Pathogenic for Hereditary cancer-predisposing syndrome. Last evaluated: 2024-05-01. Review status: criteria provided, single submitter. Criteria: Ambry Variant Classification Scheme 2023. Collection method: clinical testing. Allele origin: germline.
Comment: The p.E49* pathogenic mutation (also known as c.145G>T), located in coding exon 1 of the FLCN gene, results from a G to T substitution at nucleotide position 145. This changes the amino acid from a glutamic acid to a stop codon within coding exon 1. This variant was reported in individuals with features consistent with Birt-Hogg Dube syndrome (Liu Y et al. Orphanet J Rare Dis, 2017 May;12:104; Ambry internal data). In addition to the clinical data presented in the literature, this alteration is expected to result in loss of function by premature protein truncation or nonsense-mediated mRNA decay. This variant is considered to be rare based on population cohorts in the Genome Aggregation Database (gnomAD). As such, this alteration is interpreted as a disease-causing mutation.

Literature cited by the submitters: PubMed 28558743.

NM_144997.7(FLCN):c.145G>T (p.Glu49Ter)

Gene: FLCN (folliculin; minus strand). Cytogenetic location: 17p11.2.
Variant type: single nucleotide variant.
Coding change: c.145G>T on transcript NM_144997.7 (MANE Select); coding-DNA position 145, G replaced by T.
Protein change: p.Glu49Ter; replaces glutamic acid 49 with a stop codon.
Molecular consequence: nonsense.
Genome position (GRCh38, 1-based): chr17:17,227,993, C>A on the plus strand (G>T on the coding strand, the complement: FLCN is on the minus strand). VCF-style: chr17-17227993-C-A. GRCh37 (hg19) VCF-style: chr17-17131307-C-A.
Other names: c.145G>T, p.Glu49Ter (NM_001353229.2, NM_001353230.2, NM_001353231.2 and 1 more transcripts); short protein forms E49*.
Identifiers: ClinVar variation 3279022 (VCV003279022.1).